The following is an entry in ClinVar:

ClinVar aggregate classification (germline): Uncertain significance. Review status: criteria provided, multiple submitters, no conflicts (2 of 4 stars). 2 submissions from 2 submitters: Uncertain significance (2). Last evaluated 2025-02-09.

Conditions:
Hereditary cancer-predisposing syndrome. Also called: Hereditary neoplastic syndrome; Tumor predisposition; Hereditary Cancer Syndrome; Neoplastic Syndromes, Hereditary. Identifiers: Orphanet 140162, MedGen C0027672, MeSH D009386, MONDO:0015356.
Tietz syndrome (TADS). Also called: HYPOPIGMENTATION/DEAFNESS OF TIETZ; TIETZ ALBINISM-DEAFNESS SYNDROME; ALBINISM-DEAFNESS OF TIETZ. Identifiers: Orphanet 42665, MedGen C0391816, MONDO:0007077, OMIM 103500.
Waardenburg syndrome type 2A (WS2A). Also called: WAARDENBURG SYNDROME WITHOUT DYSTOPIA CANTHORUM. Identifiers: Orphanet 3440, MedGen C1860339, MONDO:0008671, OMIM 193510.
Melanoma, cutaneous malignant, susceptibility to, 8. Also called: MELANOMA AND RENAL CELL CARCINOMA, SUSCEPTIBILITY TO; Cutaneous malignant melanoma 8. Identifiers: Orphanet 293822, MedGen C3152204, MONDO:0013759, OMIM 614456.

gnomAD v4.1: 1 of 1,614,124 alleles (0.000062%); highest among the groups gnomAD compares: Non-Finnish European, 0.000085%; no homozygotes.

Submissions (2):

Ambry Genetics
Classification: Uncertain significance for Hereditary cancer-predisposing syndrome. Last evaluated: 2025-02-09. Review status: criteria provided, single submitter. Criteria: Ambry Variant Classification Scheme 2023. Collection method: clinical testing. Allele origin: germline.
Comment: The p.V48L variant (also known as c.142G>C), located in coding exon 2 of the MITF gene, results from a G to C substitution at nucleotide position 142. The valine at codon 48 is replaced by leucine, an amino acid with highly similar properties. This amino acid position is conserved. In addition, this alteration is predicted to be tolerated by in silico analysis. Based on the available evidence, the clinical significance of this variant remains unclear.

Labcorp Genetics (formerly Invitae), Labcorp
Classification: Uncertain significance for Melanoma, cutaneous malignant, susceptibility to, 8; Waardenburg syndrome type 2A; Tietz syndrome. Last evaluated: 2025-01-19. Review status: criteria provided, single submitter. Criteria: Invitae Variant Classification Sherloc (09022015). Collection method: clinical testing. Allele origin: germline.
Comment: This sequence change replaces valine, which is neutral and non-polar, with leucine, which is neutral and non-polar, at codon 48 of the MITF protein (p.Val48Leu). This variant is not present in population databases (gnomAD no frequency). This variant has not been reported in the literature in individuals affected with MITF-related conditions. Invitae Evidence Modeling of protein sequence and biophysical properties (such as structural, functional, and spatial information, amino acid conservation, physicochemical variation, residue mobility, and thermodynamic stability) indicates that this missense variant is not expected to disrupt MITF protein function with a negative predictive value of 80%. In summary, the available evidence is currently insufficient to determine the role of this variant in disease. Therefore, it has been classified as a Variant of Uncertain Significance.

NM_001354604.2(MITF):c.463G>C (p.Val155Leu)

Gene: MITF (melanocyte inducing transcription factor; plus strand). Cytogenetic location: 3p13.
Variant type: single nucleotide variant.
Coding change: c.463G>C on transcript NM_001354604.2 (MANE Select); coding-DNA position 463, G replaced by C.
Protein change: p.Val155Leu; replaces valine 155 with leucine.
Molecular consequence: missense variant. On other transcripts: intron variant (1).
Genome position (GRCh38, 1-based): chr3:69,937,930, G>C. VCF-style: chr3-69937930-G-C. GRCh37 (hg19) VCF-style: chr3-69987081-G-C.
Other names: c.142G>C, p.Val48Leu (NM_000248.4, NM_001184968.2, NM_198158.3); c.307G>C, p.Val103Leu (NM_001184967.2, NM_001354608.2); c.460G>C, p.Val154Leu (NM_001354605.2, NM_001354606.2, NM_006722.3); c.412G>C, p.Val138Leu (NM_001354607.2); c.463G>C, p.Val155Leu (NM_198159.3); c.415G>C, p.Val139Leu (NM_198177.3); c.93+49G>C (NM_198178.3); short protein forms V103L, V138L, V139L, V154L, V155L, V48L.
Identifiers: ClinVar variation 3751020 (VCV003751020.3).
Genomic context (GRCh38, chr3:69,937,930, plus strand): 5'-CAACGGCAGCAGGTAAAGCAGTACCTTTCTACCACTTTAGCAAATAAACATGCCAACCAA[G>C]TCCTGAGCTTGCCATGTCCAAACCAGCCTGGCGATCATGTCATGCCACCGGTGCCGGGGA-3'
Protein context (NP_001341533.1, residues 145-165): TTLANKHANQ[Val155Leu]LSLPCPNQPG